The following is an entry in ClinVar:

ClinVar aggregate classification (germline): Uncertain significance. Review status: criteria provided, multiple submitters, no conflicts (2 of 4 stars). 2 submissions from 2 submitters: Uncertain significance (2). Last evaluated 2022-09-16.

Conditions:
Inborn genetic diseases. Identifiers: MedGen C0950123, MeSH D030342.
Neuropathy, hereditary sensory, type 2C. Also called: KIF1A-Related HSAN2 (HSAN2C); Hereditary sensory and autonomic neuropathy type IIC. Identifiers: Orphanet 970, MedGen C3280168, MONDO:0013634, OMIM 614213.
Intellectual disability, autosomal dominant 9 (NESCAVS). Also called: NESCAV SYNDROME; KIF1A-Related Neurodevelopmental Disorder. Identifiers: Orphanet 662367, MedGen C5393830, MONDO:0013656, OMIM 614255.
Hereditary spastic paraplegia 30. Identifiers: Orphanet 101010, MedGen C5235139, MONDO:0012476.

Allele frequency attached by ClinVar (database versions not stated): gnomAD 0.00001; TOPMed 0.00002.

Submissions (2):

Labcorp Genetics (formerly Invitae), Labcorp
Classification: Uncertain significance for Hereditary spastic paraplegia 30; Neuropathy, hereditary sensory, type 2C; Intellectual disability, autosomal dominant 9. Last evaluated: 2022-09-16. Review status: criteria provided, single submitter. Criteria: Invitae Variant Classification Sherloc (09022015). Collection method: clinical testing. Allele origin: germline.
Comment: This variant is not present in population databases (gnomAD no frequency). In summary, the available evidence is currently insufficient to determine the role of this variant in disease. Therefore, it has been classified as a Variant of Uncertain Significance. Algorithms developed to predict the effect of missense changes on protein structure and function (SIFT, PolyPhen-2, Align-GVGD) all suggest that this variant is likely to be tolerated. ClinVar contains an entry for this variant (Variation ID: 946525). This variant has not been reported in the literature in individuals affected with KIF1A-related conditions. This sequence change replaces arginine, which is basic and polar, with cysteine, which is neutral and slightly polar, at codon 624 of the KIF1A protein (p.Arg624Cys).

Ambry Genetics
Classification: Uncertain significance for Inborn genetic diseases. Last evaluated: 2017-09-15. Review status: criteria provided, single submitter. Criteria: Ambry Variant Classification Scheme 2023. Collection method: clinical testing. Allele origin: germline.
Comment: The p.R624C variant (also known as c.1870C>T), located in coding exon 19 of the KIF1A gene, results from a C to T substitution at nucleotide position 1870. The arginine at codon 624 is replaced by cysteine, an amino acid with highly dissimilar properties. This amino acid position is highly conserved in available vertebrate species. In addition, the in silico prediction for this alteration is inconclusive. Since supporting evidence is limited at this time, the clinical significance of this alteration remains unclear.

NM_001244008.2(KIF1A):c.1897C>T (p.Arg633Cys)

Gene: KIF1A (kinesin family member 1A; minus strand). Cytogenetic location: 2q37.3.
Variant type: single nucleotide variant.
Coding change: c.1897C>T on transcript NM_001244008.2 (MANE Select); coding-DNA position 1897, C replaced by T.
Protein change: p.Arg633Cys; replaces arginine 633 with cysteine.
Molecular consequence: missense variant.
Genome position (GRCh38, 1-based): chr2:240,763,218, G>A on the plus strand (C>T on the coding strand, the complement: KIF1A is on the minus strand). VCF-style: chr2-240763218-G-A. GRCh37 (hg19) VCF-style: chr2-241702635-G-A.
Other names: c.1897C>T, p.Arg633Cys (NM_001320705.2, NM_001330289.2, NM_001379638.1); c.1972C>T, p.Arg658Cys (NM_001330290.2, NM_001379631.1, NM_001379634.1 and 2 more transcripts); c.1870C>T, p.Arg624Cys (NM_001379632.1, NM_001379633.1, NM_001379636.1 and 10 more transcripts); c.1945C>T, p.Arg649Cys (NM_001379637.1, NM_001379648.1); short protein forms R633C, R658C, R649C, R624C.
Identifiers: ClinVar variation 946525 (VCV000946525.12), dbSNP rs1454909533, ClinGen allele CA351327039.